The following is an entry in ClinVar:

NM_003837.4(FBP2):c.575G>A (p.Gly192Asp)

Genes: FBP2 (fructose-bisphosphatase 2; minus strand), PCAT7 (prostate cancer associated transcript 7; plus strand). Cytogenetic location: 9q22.32.
Variant type: single nucleotide variant.
Coding change: c.575G>A on transcript NM_003837.4 (MANE Select); coding-DNA position 575, G replaced by A.
Protein change: p.Gly192Asp; replaces glycine 192 with aspartic acid.
Molecular consequence: missense variant. On other transcripts: non-coding transcript variant (11).
Genome position (GRCh38, 1-based): chr9:94,567,400, C>T on the plus strand (G>A on the coding strand, the complement: FBP2 is on the minus strand). VCF-style: chr9-94567400-C-T. GRCh37 (hg19) VCF-style: chr9-97329682-C-T.
Other names: short protein forms G192D.
Identifiers: ClinVar variation 4881545 (VCV004881545.2).

ClinVar aggregate classification (germline): Uncertain significance (1 of 4 stars; one submission).

Submission:

Dasa
Classification: Uncertain significance. Last evaluated: 2025-05-07. Review status: criteria provided, single submitter. Criteria: DASA Assertion Criteria. Collection method: clinical testing. Allele origin: germline.
Comment: NM_003837.4(FBP2):c.575G>A (p.Gly192Asp) is a missense variant that results in the substitution of glycine with aspartic acid. This variant is absent from population databases. Computational prediction algorithms are consistent with a deleterious effect. The currently available literature and clinical evidence are not sufficient to establish a definitive association between this variant and the reported condition. Therefore, this variant is classified as a variant of uncertain significance.